The following is an entry in ClinVar:

NM_005085.4(NUP214):c.1412C>T (p.Ser471Phe)

Gene: NUP214 (nucleoporin 214; plus strand). Cytogenetic location: 9q34.13.
Variant type: single nucleotide variant.
Coding change: c.1412C>T on transcript NM_005085.4 (MANE Select); coding-DNA position 1412, C replaced by T.
Protein change: p.Ser471Phe; replaces serine 471 with phenylalanine.
Molecular consequence: missense variant.
Genome position (GRCh38, 1-based): chr9:131,144,397, C>T. VCF-style: chr9-131144397-C-T. GRCh37 (hg19) VCF-style: chr9-134019784-C-T.
Other names: c.1412C>T, p.Ser471Phe (NM_001318324.2); short protein forms S471F.
Identifiers: ClinVar variation 1048608 (VCV001048608.1), dbSNP rs776701369, ClinGen allele CA5289002.

ClinVar aggregate classification (germline): Uncertain significance (1 of 4 stars; one submission).

Conditions:
Encephalopathy, acute, infection-induced, susceptibility to, 9. Identifiers: MedGen C5193089, MONDO:0032742, OMIM 618426.

Allele frequency attached by ClinVar (database versions not stated): gnomAD exomes below 0.00001; ExAC 0.00001.

Submission:

HudsonAlpha Institute for Biotechnology
Classification: Uncertain significance for Encephalopathy, acute, infection-induced, susceptibility to, 9. Last evaluated: 2021-03-17. Review status: criteria provided, single submitter. Criteria: ACMG Guidelines, 2015. Collection method: research. Allele origin: inherited. Observed: 1 variant allele. Study: CSER-SouthSeq.
Comment: ACMG codes:PM2